The following is an entry in ClinVar:

ClinVar aggregate classification (germline): Benign/Likely benign. Review status: criteria provided, multiple submitters, no conflicts (2 of 4 stars). 3 submissions from 3 submitters: Benign (1); Likely benign (2). Last evaluated 2025-05-02.

Conditions:
Orthostatic hypotension 1 (ORTHYP1). Also called: Dopamine beta-hydroxylase deficiency; NORADRENALINE DEFICIENCY; NOREPINEPHRINE DEFICIENCY; Orthostatic hypotension 1, due to DBH deficiency. Identifiers: Orphanet 230, MedGen C4746777, MONDO:0009123, OMIM 223360.

Allele frequency attached by ClinVar (database versions not stated): TOPMed 0.00003; 1000 Genomes Project 30x 0.00078; 1000 Genomes Project 0.00080.
gnomAD v4.1: 598 of 1,613,848 alleles (0.037%); highest among the groups gnomAD compares: South Asian, 0.6%; 6 homozygotes.

Submissions (3):

Labcorp Genetics (formerly Invitae), Labcorp
Classification: Benign for Orthostatic hypotension 1. Last evaluated: 2025-05-02. Review status: criteria provided, single submitter. Criteria: Invitae Variant Classification Sherloc (09022015). Collection method: clinical testing. Allele origin: germline.

Blueprint Genetics
Classification: Likely benign. Last evaluated: 2024-11-27. Review status: criteria provided, single submitter. Criteria: ACMG Guidelines, 2015. Collection method: clinical testing. Allele origin: germline.

Illumina Laboratory Services, Illumina
Classification: Likely benign for Orthostatic hypotension 1. Last evaluated: 2018-01-12. Review status: criteria provided, single submitter. Criteria: ICSL Variant Classification Criteria 13 December 2019. Collection method: clinical testing. Allele origin: germline.
Comment: This variant was observed in the ICSL laboratory as part of a predisposition screen in an ostensibly healthy population. It had not been previously curated by ICSL or reported in the Human Gene Mutation Database (HGMD: prior to June 1st, 2018), and was therefore a candidate for classification through an automated scoring system. Utilizing variant allele frequency, disease prevalence and penetrance estimates, and inheritance mode, an automated score was calculated to assess if this variant is too frequent to cause the disease. Based on the score and internal cut-off values, a variant classified as likely benign is not then subjected to further curation. The score for this variant resulted in a classification of likely benign for this disease.

NM_000787.4(DBH):c.1221C>T (p.Phe407=)

Gene: DBH (dopamine beta-hydroxylase; plus strand). Cytogenetic location: 9q34.2.
Variant type: single nucleotide variant.
Coding change: c.1221C>T on transcript NM_000787.4 (MANE Select); coding-DNA position 1221, C replaced by T.
Protein change: p.Phe407=; no amino-acid change (phenylalanine 407 retained).
Molecular consequence: synonymous variant.
Genome position (GRCh38, 1-based): chr9:133,651,663, C>T. VCF-style: chr9-133651663-C-T. GRCh37 (hg19) VCF-style: chr9-136516785-C-T.
Identifiers: ClinVar variation 747724 (VCV000747724.14), dbSNP rs367783759, ClinGen allele CA5313388.